The following is an entry in ClinVar:

ClinVar aggregate classification (germline): Uncertain significance. Review status: criteria provided, multiple submitters, no conflicts (2 of 4 stars). 2 submissions from 2 submitters: Uncertain significance (2). Last evaluated 2024-10-30.

Conditions:
DiGeorge syndrome. Also called: Catch22; THIRD AND FOURTH PHARYNGEAL POUCH SYNDROME. Identifiers: Orphanet 567, MedGen C0012236, MONDO:0008564, OMIM 188400.

Allele frequency attached by ClinVar (database versions not stated): ExAC below 0.00001; gnomAD exomes 0.00001.
gnomAD v4.1: 11 of 1,479,740 alleles (0.00074%); highest among the groups gnomAD compares: Non-Finnish European, 0.00099%; no homozygotes.

Submissions (2):

Labcorp Genetics (formerly Invitae), Labcorp
Classification: Uncertain significance for DiGeorge syndrome. Last evaluated: 2024-10-30. Review status: criteria provided, single submitter. Criteria: Invitae Variant Classification Sherloc (09022015). Collection method: clinical testing. Allele origin: germline.
Comment: This sequence change replaces serine, which is neutral and polar, with arginine, which is basic and polar, at codon 92 of the TBX1 protein (p.Ser92Arg). This variant is present in population databases (rs774556411, gnomAD 0.001%). This variant has not been reported in the literature in individuals affected with TBX1-related conditions. ClinVar contains an entry for this variant (Variation ID: 1011891). Invitae Evidence Modeling of protein sequence and biophysical properties (such as structural, functional, and spatial information, amino acid conservation, physicochemical variation, residue mobility, and thermodynamic stability) indicates that this missense variant is not expected to disrupt TBX1 protein function with a negative predictive value of 80%. In summary, the available evidence is currently insufficient to determine the role of this variant in disease. Therefore, it has been classified as a Variant of Uncertain Significance.

GeneDx
Classification: Uncertain significance. Last evaluated: 2021-04-23. Review status: criteria provided, single submitter. Criteria: GeneDx Variant Classification Process June 2021. Collection method: clinical testing. Allele origin: germline. Affected: yes.
Comment: Not observed at a significant frequency in large population cohorts (Lek et al., 2016); In silico analysis supports a deleterious effect on splicing; In silico analysis supports that this missense variant does not alter protein structure/function; Has not been previously published as pathogenic or benign to our knowledge

NM_001379200.1(TBX1):c.303C>G (p.Ser101Arg)

Gene: TBX1 (T-box transcription factor 1; plus strand). Cytogenetic location: 22q11.21.
Variant type: single nucleotide variant.
Coding change: c.303C>G on transcript NM_001379200.1 (MANE Select); coding-DNA position 303, C replaced by G.
Protein change: p.Ser101Arg; replaces serine 101 with arginine.
Molecular consequence: missense variant.
Genome position (GRCh38, 1-based): chr22:19,761,146, C>G. VCF-style: chr22-19761146-C-G. GRCh37 (hg19) VCF-style: chr22-19748669-C-G.
Other names: c.276C>G, p.Ser92Arg (NM_005992.1, NM_080646.2, NM_080647.1); short protein forms S101R, S92R.
Identifiers: ClinVar variation 1011891 (VCV001011891.11), dbSNP rs774556411, ClinGen allele CA10102390.